The following is an entry in ClinVar:

ClinVar aggregate classification (germline): Pathogenic (1 of 4 stars; one submission).

Submission:

Labcorp Genetics (formerly Invitae), Labcorp
Classification: Pathogenic. Last evaluated: 2023-04-15. Review status: criteria provided, single submitter. Criteria: Invitae Variant Classification Sherloc (09022015). Collection method: clinical testing. Allele origin: germline.
Comment: This variant is a gross deletion of the genomic region encompassing exon(s) 1 of the YWHAG gene, which includes the initiator codon. This deletion extends beyond the assayed region for this gene and therefore may encompass additional genes. It is expected to result in an absent or disrupted protein product. However, the current clinical and genetic evidence is not sufficient to establish whether loss-of-function variants in YWHAG cause disease. A similar copy number variant has been observed in individual(s) with YWHAG-related conditions (Invitae). In at least one individual the variant was observed to be de novo. For these reasons, this variant has been classified as Pathogenic.

NC_000007.13:g.(?_75988019)_(75988125_?)del

Gene: YWHAG (tyrosine 3-monooxygenase/tryptophan 5-monooxygenase activation protein gamma; minus strand). Cytogenetic location: 7q11.23.
Variant type: Deletion.
Identifiers: ClinVar variation 2425823 (VCV002425823.4).